The following is an entry in ClinVar:

ClinVar aggregate classification (germline): Benign/Likely benign. Review status: criteria provided, multiple submitters, no conflicts (2 of 4 stars). 14 submissions from 14 submitters: Benign (3); Likely benign (8). 3 of the submissions do not count toward it. Last evaluated 2026-09-01.

Conditions:
Distal myopathy with posterior leg and anterior hand involvement. Also called: WILLIAMS DISTAL MYOPATHY. Identifiers: Orphanet 63273, MedGen C3279722, MONDO:0013550, OMIM 614065.
Hypertrophic cardiomyopathy 26. Also called: Cardiomyopathy, familial hypertrophic, 26. Identifiers: Orphanet 75249, MedGen C4310749, MONDO:0014883, OMIM 617047.
Myofibrillar myopathy 5. Also called: Filaminopathy (type); FILAMINOPATHY, AUTOSOMAL DOMINANT. Identifiers: Orphanet 171445, MedGen C1836050, MONDO:0012289, OMIM 609524.
Cardiovascular phenotype. Identifiers: MedGen CN230736.

Allele frequency attached by ClinVar (database versions not stated): ESP Exome Variant Server 0.00147; TOPMed 0.00194; 1000 Genomes Project 30x 0.00234; 1000 Genomes Project 0.00260.
gnomAD v4.1: 685 of 1,614,200 alleles (0.042%); highest among the groups gnomAD compares: African/African-American, 0.65%; 4 homozygotes.

Submissions (14):

CeGaT Center for Human Genetics Tuebingen
Classification: Likely benign. Last evaluated: 2026-09-01. Review status: criteria provided, single submitter. Criteria: CeGaT Center For Human Genetics Tuebingen Variant Classification Criteria Version 2. Collection method: clinical testing. Allele origin: germline. Affected: yes. Observed: 4 variant alleles.
Comment: FLNC: BS1

Labcorp Genetics (formerly Invitae), Labcorp
Classification: Benign for Distal myopathy with posterior leg and anterior hand involvement; Myofibrillar myopathy 5; Hypertrophic cardiomyopathy 26. Last evaluated: 2026-02-02. Review status: criteria provided, single submitter. Criteria: Invitae Variant Classification Sherloc (09022015). Collection method: clinical testing. Allele origin: germline.

Mayo Clinic Laboratories, Mayo Clinic
Classification: Likely benign. Last evaluated: 2025-12-03. Review status: criteria provided, single submitter. Criteria: ACMG Guidelines, 2015. Collection method: clinical testing. Allele origin: germline. Observed: 7 variant alleles.
Comment: BS1

Genomic Medicine Center of Excellence, King Faisal Specialist Hospital and Research Centre
Classification: Likely benign. Last evaluated: 2025-08-18. Review status: criteria provided, single submitter. Criteria: ACMG Guidelines, 2015. Collection method: clinical testing. Allele origin: germline.

Molecular Diagnostic Laboratory for Inherited Cardiovascular Disease, Montreal Heart Institute
Classification: Likely benign. Last evaluated: 2025-04-09. Review status: criteria provided, single submitter. Criteria: ACMG Guidelines, 2015. Collection method: clinical testing. Allele origin: germline. Affected: no.

Women's Health and Genetics/Laboratory Corporation of America, LabCorp
Classification: Likely benign. Last evaluated: 2025-02-03. Review status: criteria provided, single submitter. Criteria: LabCorp Variant Classification Summary - May 2015. Collection method: clinical testing. Allele origin: germline.

Blueprint Genetics
Classification: Likely benign. Last evaluated: 2024-11-01. Review status: criteria provided, single submitter. Criteria: ACMG Guidelines, 2015. Collection method: clinical testing. Allele origin: germline.

ARUP Laboratories, Molecular Genetics and Genomics, ARUP Laboratories
Classification: Likely benign. Last evaluated: 2024-05-14. Review status: criteria provided, single submitter. Criteria: ARUP Molecular Germline Variant Investigation Process 2024. Collection method: clinical testing. Allele origin: germline.

GeneDx
Classification: Benign. Last evaluated: 2020-06-26. Review status: criteria provided, single submitter. Criteria: GeneDx Variant Classification Process June 2021. Collection method: clinical testing. Allele origin: germline. Affected: yes.
Comment: This variant is associated with the following publications: (PMID: 28356264)

Ambry Genetics
Classification: Likely benign for Cardiovascular phenotype. Last evaluated: 2019-02-20. Review status: criteria provided, single submitter. Criteria: Ambry Variant Classification Scheme 2023. Collection method: clinical testing. Allele origin: germline.

Eurofins Ntd Llc (ga)
Classification: Benign. Last evaluated: 2015-05-14. Review status: criteria provided, single submitter. Criteria: EGL Classification Definitions 2015. Collection method: clinical testing. Allele origin: germline. Observed: 1 variant allele, 1 heterozygote.

Clinical Genetics DNA and cytogenetics Diagnostics Lab, Erasmus MC, Erasmus Medical Center
Classification: Likely benign. Review status: no assertion criteria provided. Collection method: clinical testing. Allele origin: germline. Affected: yes. Study: VKGL Data-share Consensus. Not counted in ClinVar's aggregate classification.

Clinical Genetics, Academic Medical Center
Classification: Benign. Review status: no assertion criteria provided. Collection method: clinical testing. Allele origin: germline. Affected: yes. Study: VKGL Data-share Consensus. Not counted in ClinVar's aggregate classification.

Joint Genome Diagnostic Labs from Nijmegen and Maastricht, Radboudumc and MUMC+
Classification: Benign. Review status: no assertion criteria provided. Collection method: clinical testing. Allele origin: germline. Affected: yes. Study: VKGL Data-share Consensus. Not counted in ClinVar's aggregate classification.

Literature cited by the submitters: PubMed 28356264 (cited by Mayo Clinic Laboratories, Mayo Clinic).

NM_001458.5(FLNC):c.5042C>G (p.Thr1681Arg)

Gene: FLNC (filamin C; plus strand). Cytogenetic location: 7q32.1.
Variant type: single nucleotide variant.
Coding change: c.5042C>G on transcript NM_001458.5 (MANE Select); coding-DNA position 5042, C replaced by G.
Protein change: p.Thr1681Arg; replaces threonine 1681 with arginine.
Molecular consequence: missense variant.
Genome position (GRCh38, 1-based): chr7:128,849,421, C>G. VCF-style: chr7-128849421-C-G. GRCh37 (hg19) VCF-style: chr7-128489475-C-G.
Other names: p.Thr1681Arg; c.5042C>G, p.Thr1681Arg (NM_001127487.2); short protein forms T1681R.
Identifiers: ClinVar variation 196617 (VCV000196617.47), dbSNP rs193159707, ClinGen allele CA202476.
Genomic context (GRCh38, chr7:128,849,421, plus strand): 5'-GGCAGGAGACGGTGATCACGGTGGATGCCAAGGCAGCCGGTGAGGGGAAGGTGACATGCA[C>G]GGTGTCCACGCCGGATGGGGCAGAGCTCGATGTGGATGTGGTTGAGAACCATGACGGTAC-3'
Protein context (NP_001449.3, residues 1671-1691): KAAGEGKVTC[Thr1681Arg]VSTPDGAELD